The following is an entry in ClinVar:

ClinVar aggregate classification (germline): Uncertain significance. Review status: criteria provided, multiple submitters, no conflicts (2 of 4 stars). 10 submissions from 10 submitters: Uncertain significance (8). 2 of the submissions do not count toward it. Last evaluated 2025-10-18.

Conditions:
Bardet-Biedl syndrome (BBS). Identifiers: Orphanet 110, MedGen C0752166, MONDO:0015229.
BBS1-related disorder. Also called: BBS1-related condition.
Inborn genetic diseases. Identifiers: MedGen C0950123, MeSH D030342.
Bardet-Biedl syndrome 1 (BBS1). Identifiers: MedGen C2936862, MONDO:0008854, OMIM 209900. Disease mechanism: loss of function.

Allele frequency attached by ClinVar (database versions not stated): gnomAD exomes 0.00003 and 0.00006; ExAC 0.00004; ESP Exome Variant Server 0.00008; gnomAD 0.00012 and 0.00014; TOPMed 0.00018.
gnomAD v4.1: 65 of 1,614,010 alleles (0.004%); highest among the groups gnomAD compares: African/African-American, 0.031%; no homozygotes.

Submissions (10):

GeneDx
Classification: Uncertain significance. Last evaluated: 2025-10-18. Review status: criteria provided, single submitter. Criteria: GeneDx Variant Classification Process June 2021. Collection method: clinical testing. Allele origin: germline.
Comment: In silico analysis supports that this missense variant has a deleterious effect on protein structure/function; Has not been previously published as pathogenic or benign to our knowledge

Blueprint Genetics
Classification: Uncertain significance. Last evaluated: 2024-08-26. Review status: criteria provided, single submitter. Criteria: ACMG Guidelines, 2015. Collection method: clinical testing. Allele origin: germline.

Fulgent Genetics
Classification: Uncertain significance for Bardet-Biedl syndrome 1. Last evaluated: 2024-03-28. Review status: criteria provided, single submitter. Criteria: ACMG Guidelines, 2015. Collection method: clinical testing. Allele origin: germline.

New York Genome Center
Classification: Uncertain significance for Bardet-Biedl syndrome 1. Last evaluated: 2022-04-20. Review status: criteria provided, single submitter. Criteria: NYGC Assertion Criteria 2020. Collection method: clinical testing. Allele origin: germline. Observed: 1 heterozygote.

Labcorp Genetics (formerly Invitae), Labcorp
Classification: Uncertain significance for Bardet-Biedl syndrome. Last evaluated: 2022-03-20. Review status: criteria provided, single submitter. Criteria: Invitae Variant Classification Sherloc (09022015). Collection method: clinical testing. Allele origin: germline.
Comment: This sequence change replaces arginine, which is basic and polar, with histidine, which is basic and polar, at codon 67 of the BBS1 protein (p.Arg67His). This variant is present in population databases (rs145718265, gnomAD 0.03%). This variant has not been reported in the literature in individuals affected with BBS1-related conditions. ClinVar contains an entry for this variant (Variation ID: 879529). Algorithms developed to predict the effect of missense changes on protein structure and function output the following: SIFT: "Tolerated"; PolyPhen-2: "Benign"; Align-GVGD: "Class C0". The histidine amino acid residue is found in multiple mammalian species, which suggests that this missense change does not adversely affect protein function. In summary, the available evidence is currently insufficient to determine the role of this variant in disease. Therefore, it has been classified as a Variant of Uncertain Significance.

Ambry Genetics
Classification: Uncertain significance for Inborn genetic diseases. Last evaluated: 2021-10-22. Review status: criteria provided, single submitter. Criteria: Ambry Variant Classification Scheme 2023. Collection method: clinical testing. Allele origin: germline.

Illumina Laboratory Services, Illumina
Classification: Uncertain significance for Bardet-Biedl syndrome 1. Last evaluated: 2018-01-12. Review status: criteria provided, single submitter. Criteria: ICSL Variant Classification Criteria 13 December 2019. Collection method: clinical testing. Allele origin: germline.

Genetic Services Laboratory, University of Chicago
Classification: Uncertain significance. Last evaluated: 2017-07-14. Review status: criteria provided, single submitter. Criteria: ACMG Guidelines, 2015. Collection method: clinical testing. Allele origin: germline. Affected: no.

PreventionGenetics, part of Exact Sciences
Classification: Uncertain significance for BBS1-related condition. Last evaluated: 2024-09-03. Review status: no assertion criteria provided. Collection method: clinical testing. Allele origin: germline. Not counted in ClinVar's aggregate classification.
Comment: The BBS1 c.200G>A variant is predicted to result in the amino acid substitution p.Arg67His. To our knowledge, this variant has not been reported in the literature. This variant is reported in 0.040% of alleles in individuals of African descent in gnomAD. At this time, the clinical significance of this variant is uncertain due to the absence of conclusive functional and genetic evidence.

Natera, Inc.
Classification: Uncertain significance for Bardet-Biedl syndrome type 1. Last evaluated: 2020-04-14. Review status: no assertion criteria provided. Collection method: clinical testing. Allele origin: germline. Not counted in ClinVar's aggregate classification.

NM_024649.5(BBS1):c.200G>A (p.Arg67His)

Gene: BBS1 (Bardet-Biedl syndrome 1; plus strand). Cytogenetic location: 11q13.2.
Variant type: single nucleotide variant.
Coding change: c.200G>A on transcript NM_024649.5 (MANE Select); coding-DNA position 200, G replaced by A.
Protein change: p.Arg67His; replaces arginine 67 with histidine.
Molecular consequence: missense variant.
Genome position (GRCh38, 1-based): chr11:66,514,446, G>A. VCF-style: chr11-66514446-G-A. GRCh37 (hg19) VCF-style: chr11-66281917-G-A.
Other names: short protein forms R67H.
Identifiers: ClinVar variation 879529 (VCV000879529.21), dbSNP rs145718265, ClinGen allele CA6123290.